The following is an entry in ClinVar:

NM_015978.3(TNNI3K):c.1982G>C (p.Gly661Ala)

Genes: FPGT-TNNI3K (FPGT-TNNI3K readthrough; plus strand), TNNI3K (TNNI3 interacting kinase; plus strand). Cytogenetic location: 1p31.1.
Variant type: single nucleotide variant.
Coding change: c.1982G>C on transcript NM_015978.3 (MANE Select); coding-DNA position 1982, G replaced by C.
Protein change: p.Gly661Ala; replaces glycine 661 with alanine.
Molecular consequence: missense variant.
Genome position (GRCh38, 1-based): chr1:74,439,593, G>C. VCF-style: chr1-74439593-G-C. GRCh37 (hg19) VCF-style: chr1-74905277-G-C.
Other names: c.2285G>C, p.Gly762Ala (NM_001112808.3, NM_001199327.2); c.1982G>C (NM_015978.2); short protein forms G661A, G762A.
Identifiers: ClinVar variation 2995155 (VCV002995155.5), dbSNP rs747722225, ClinGen allele CA909523.

ClinVar aggregate classification (germline): Uncertain significance. Review status: criteria provided, multiple submitters, no conflicts (2 of 4 stars). 3 submissions from 3 submitters: Uncertain significance (3). Last evaluated 2025-06-29.

Conditions:
Inborn genetic diseases. Identifiers: MedGen C0950123, MeSH D030342.

Allele frequency attached by ClinVar (database versions not stated): gnomAD exomes below 0.00001; ExAC 0.00001; gnomAD 0.00001; TOPMed 0.00001.
gnomAD v4.1: 8 of 1,613,336 alleles (0.0005%); highest among the groups gnomAD compares: Admixed American, 0.012%; no homozygotes.

Submissions (3):

GeneDx
Classification: Uncertain significance. Last evaluated: 2025-06-29. Review status: criteria provided, single submitter. Criteria: GeneDx Variant Classification Process June 2021. Collection method: clinical testing. Allele origin: germline. Affected: yes.
Comment: Not observed at significant frequency in large population cohorts (gnomAD); In silico analysis supports that this missense variant has a deleterious effect on protein structure/function; Has not been previously published as pathogenic or benign to our knowledge

Ambry Genetics
Classification: Uncertain significance for Inborn genetic diseases. Last evaluated: 2025-04-20. Review status: criteria provided, single submitter. Criteria: Ambry Variant Classification Scheme 2023. Collection method: clinical testing. Allele origin: germline.

Labcorp Genetics (formerly Invitae), Labcorp
Classification: Uncertain significance. Last evaluated: 2023-01-30. Review status: criteria provided, single submitter. Criteria: Invitae Variant Classification Sherloc (09022015). Collection method: clinical testing. Allele origin: germline.
Comment: This variant has not been reported in the literature in individuals affected with TNNI3K-related conditions. Algorithms developed to predict the effect of missense changes on protein structure and function (SIFT, PolyPhen-2, Align-GVGD) all suggest that this variant is likely to be disruptive. In summary, the available evidence is currently insufficient to determine the role of this variant in disease. Therefore, it has been classified as a Variant of Uncertain Significance. This variant is present in population databases (rs747722225, gnomAD 0.009%). This sequence change replaces glycine, which is neutral and non-polar, with alanine, which is neutral and non-polar, at codon 661 of the TNNI3K protein (p.Gly661Ala).